The following is an entry in ClinVar:

ClinVar aggregate classification (germline): Conflicting classifications of pathogenicity. Review status: criteria provided, conflicting classifications (1 of 4 stars). 2 submissions from 2 submitters: Uncertain significance (1); Benign (1). Last evaluated 2015-05-20.

Allele frequency attached by ClinVar (database versions not stated): gnomAD exomes 0.00004 and 0.00010; ExAC 0.00014; TOPMed 0.00029; gnomAD 0.00036 and 0.00040; 1000 Genomes Project 0.00060; ESP Exome Variant Server 0.00062; 1000 Genomes Project 30x 0.00078.
gnomAD v4.1: 114 of 1,608,674 alleles (0.0071%); highest among the groups gnomAD compares: African/African-American, 0.1%; no homozygotes.

Submissions (2):

Laboratory for Molecular Medicine, Mass General Brigham Personalized Medicine
Classification: Uncertain significance. Last evaluated: 2015-05-20. Review status: criteria provided, single submitter. Criteria: LMM Criteria. Collection method: clinical testing. Allele origin: germline. Observed: 1 variant allele.
Comment: Variant classified as Uncertain Significance - Favor Benign.

GeneDx
Classification: Benign. Last evaluated: 2015-03-03. Review status: criteria provided, single submitter. Criteria: GeneDx Variant Classification Process June 2021. Collection method: clinical testing. Allele origin: germline. Affected: yes.

NM_007078.3(LDB3):c.-15G>A

Genes: LDB3 (LIM domain binding 3; plus strand), LOC130004243 (ATAC-STARR-seq lymphoblastoid active region 3695; plus strand). Cytogenetic location: 10q23.2.
Variant type: single nucleotide variant.
Coding change: c.-15G>A on transcript NM_007078.3 (MANE Select); 15 bases upstream of the start codon, G replaced by A.
Molecular consequence: 5 prime UTR variant.
Genome position (GRCh38, 1-based): chr10:86,668,677, G>A. VCF-style: chr10-86668677-G-A. GRCh37 (hg19) VCF-style: chr10-88428434-G-A.
Other names: c.-15G>A (NM_001080114.2, NM_001080115.2, NM_001080116.1 and 8 more transcripts).
Identifiers: ClinVar variation 228794 (VCV000228794.6), dbSNP rs201865389, ClinGen allele CA5584558.